The following is an entry in ClinVar:

NM_001267550.2(TTN):c.62567A>G (p.Tyr20856Cys)

Genes: TTN (titin; minus strand), TTN-AS1 (TTN antisense RNA 1; plus strand). Cytogenetic location: 2q31.2.
Variant type: single nucleotide variant.
Coding change: c.62567A>G on transcript NM_001267550.2 (MANE Select); coding-DNA position 62567, A replaced by G.
Protein change: p.Tyr20856Cys; replaces tyrosine 20856 with cysteine.
Molecular consequence: missense variant.
Genome position (GRCh38, 1-based): chr2:178,589,158, T>C on the plus strand (A>G on the coding strand, the complement: TTN is on the minus strand). VCF-style: chr2-178589158-T-C. GRCh37 (hg19) VCF-style: chr2-179453885-T-C.
Other names: p.Tyr18288Cys; c.57644A>G, p.Tyr19215Cys (NM_001256850.1); c.35372A>G, p.Tyr11791Cys (NM_003319.4); c.54863A>G, p.Tyr18288Cys (NM_133378.4); c.35747A>G, p.Tyr11916Cys (NM_133432.3); c.35948A>G, p.Tyr11983Cys (NM_133437.4); short protein forms Y20856C, Y19215C, Y11983C, Y11791C, Y11916C, Y18288C.
Identifiers: ClinVar variation 467349 (VCV000467349.11), dbSNP rs373867080, ClinGen allele CA1992209.

ClinVar aggregate classification (germline): Conflicting classifications of pathogenicity. Review status: criteria provided, conflicting classifications (1 of 4 stars). 6 submissions from 6 submitters: Uncertain significance (5); Likely benign (1). Last evaluated 2026-06-17.

Conditions:
Cardiovascular phenotype. Identifiers: MedGen CN230736.
TTN-related disorder. Also called: TTN-related condition; TTN-related disease; TTN-related disorders.
Autosomal recessive limb-girdle muscular dystrophy type 2J (LGMDR10). Also called: Limb-girdle muscular dystrophy, type 2J; MUSCULAR DYSTROPHY, LIMB-GIRDLE, AUTOSOMAL RECESSIVE 10. Identifiers: Orphanet 140922, MedGen C1837342, MONDO:0012127, OMIM 608807.
Dilated cardiomyopathy 1G (CMD1G). Identifiers: Orphanet 154, MedGen C1858763, MONDO:0011400, OMIM 604145.

Allele frequency attached by ClinVar (database versions not stated): gnomAD exomes 0.00002 and 0.00004; ExAC 0.00004; ESP Exome Variant Server 0.00008; gnomAD 0.00017 and 0.00021; TOPMed 0.00021.
gnomAD v4.1: 49 of 1,613,256 alleles (0.003%); highest among the groups gnomAD compares: African/African-American, 0.061%; no homozygotes.

Submissions (6):

PreventionGenetics, part of Exact Sciences
Classification: Uncertain significance for TTN-related condition. Last evaluated: 2026-06-17. Review status: criteria provided, single submitter. Criteria: ACMG Guidelines, 2015. Collection method: clinical testing. Allele origin: germline.
Comment: The TTN c.62567A>G variant is predicted to result in the amino acid substitution p.Tyr20856Cys. This variant has been reported as a variant of uncertain significance in a cohort of individuals with noncompaction cardiomyopathy (Table S3, van Waning et al. 2018. PubMed ID: 29447731). This variant is reported in 0.050% of alleles in individuals of African descent in gnomAD. Although we suspect that this variant may be benign, at this time, the clinical significance of this variant is uncertain due to the absence of conclusive functional and genetic evidence.

Women's Health and Genetics/Laboratory Corporation of America, LabCorp
Classification: Uncertain significance. Last evaluated: 2025-05-23. Review status: criteria provided, single submitter. Criteria: LabCorp Variant Classification Summary - May 2015. Collection method: clinical testing. Allele origin: germline.
Comment: Variant summary: TTN c.54863A>G (p.Tyr18288Cys) results in a non-conservative amino acid change in the encoded protein sequence. Algorithms developed to predict the effect of missense changes on protein structure and function are either unavailable or do not agree on the potential impact of this missense change. The variant allele was found at a frequency of 4e-05 in 248332 control chromosomes (gnomAD). This frequency is not significantly higher than estimated for a pathogenic variant in TTN causing Dilated Cardiomyopathy (4e-05 vs 0.00039), allowing no conclusion about variant significance. c.54863A>G has been observed in one individual affected with noncompaction cardiomyopathy (van Waning_2018). The report does not provide unequivocal conclusions about association of the variant with Dilated Cardiomyopathy. To our knowledge, no experimental evidence demonstrating an impact on protein function has been reported. The following publication have been ascertained in the context of this evaluation (PMID: 29447731). ClinVar contains an entry for this variant (Variation ID: 467349). Based on the evidence outlined above, the variant was classified as uncertain significance.

Revvity Omics, Revvity
Classification: Uncertain significance. Last evaluated: 2022-04-13. Review status: criteria provided, single submitter. Criteria: ACMG Guidelines, 2015. Collection method: clinical testing. Allele origin: germline.

Mayo Clinic Laboratories, Mayo Clinic
Classification: Uncertain significance. Last evaluated: 2022-02-22. Review status: criteria provided, single submitter. Criteria: ACMG Guidelines, 2015. Collection method: clinical testing. Allele origin: germline. Observed: 1 variant allele.

Ambry Genetics
Classification: Likely benign for Cardiovascular phenotype. Last evaluated: 2020-07-06. Review status: criteria provided, single submitter. Criteria: Ambry Variant Classification Scheme 2023. Collection method: clinical testing. Allele origin: germline.

Labcorp Genetics (formerly Invitae), Labcorp
Classification: Uncertain significance for Dilated cardiomyopathy 1G; Autosomal recessive limb-girdle muscular dystrophy type 2J. Last evaluated: 2017-02-17. Review status: criteria provided, single submitter. Criteria: Invitae Variant Classification Sherloc (09022015). Collection method: clinical testing. Allele origin: germline.

Literature cited by the submitters: PubMed 29447731 (cited by Women's Health and Genetics/Laboratory Corporation of America, LabCorp).